The following is an entry in ClinVar:

ClinVar aggregate classification (germline): Uncertain significance (1 of 4 stars; one submission).

Conditions:
Inborn genetic diseases. Identifiers: MedGen C0950123, MeSH D030342.

Allele frequency attached by ClinVar (database versions not stated): gnomAD exomes below 0.00001; ExAC 0.00001.
gnomAD v4.1: 2 of 1,613,978 alleles (0.00012%); highest among the groups gnomAD compares: Non-Finnish European, 0.00017%; no homozygotes.

Submission:

Ambry Genetics
Classification: Uncertain significance for Inborn genetic diseases. Last evaluated: 2018-09-27. Review status: criteria provided, single submitter. Criteria: Ambry Variant Classification Scheme 2023. Collection method: clinical testing. Allele origin: germline.
Comment: The p.N50S variant (also known as c.149A>G), located in coding exon 1 of the CLN8 gene, results from an A to G substitution at nucleotide position 149. The asparagine at codon 50 is replaced by serine, an amino acid with highly similar properties. This amino acid position is not well conserved in available vertebrate species. In addition, this alteration is predicted to be tolerated by in silico analysis. Since supporting evidence is limited at this time, the clinical significance of this alteration remains unclear.

NM_018941.4(CLN8):c.149A>G (p.Asn50Ser)

Gene: CLN8 (CLN8 transmembrane ER and ERGIC protein; plus strand). Cytogenetic location: 8p23.3.
Variant type: single nucleotide variant.
Coding change: c.149A>G on transcript NM_018941.4 (MANE Select); coding-DNA position 149, A replaced by G.
Protein change: p.Asn50Ser; replaces asparagine 50 with serine.
Molecular consequence: missense variant.
Genome position (GRCh38, 1-based): chr8:1,771,203, A>G. VCF-style: chr8-1771203-A-G. GRCh37 (hg19) VCF-style: chr8-1719369-A-G.
Other names: short protein forms N50S.
Identifiers: ClinVar variation 1773945 (VCV001773945.2), dbSNP rs757793660, ClinGen allele CA4599213.